The following is an entry in ClinVar:

NM_001614.5(ACTG1):c.1013C>G (p.Ser338Trp)

Gene: ACTG1 (actin gamma 1; minus strand). Cytogenetic location: 17q25.3.
Variant type: single nucleotide variant.
Coding change: c.1013C>G on transcript NM_001614.5 (MANE Select); coding-DNA position 1013, C replaced by G.
Protein change: p.Ser338Trp; replaces serine 338 with tryptophan.
Molecular consequence: missense variant. On other transcripts: non-coding transcript variant (1).
Genome position (GRCh38, 1-based): chr17:81,510,805, G>C on the plus strand (C>G on the coding strand, the complement: ACTG1 is on the minus strand). VCF-style: chr17-81510805-G-C. GRCh37 (hg19) VCF-style: chr17-79477831-G-C.
Other names: c.1013C>G, p.Ser338Trp (NM_001199954.3); short protein forms S338W.
Identifiers: ClinVar variation 1483014 (VCV001483014.8), dbSNP rs1192977984, ClinGen allele CA401458505.

ClinVar aggregate classification (germline): Pathogenic (1 of 4 stars; one submission).

Conditions:
Autosomal dominant nonsyndromic hearing loss 20. Identifiers: Orphanet 90635, MedGen C1858172, MONDO:0011480, OMIM 604717.
Baraitser-winter syndrome 2. Identifiers: Orphanet 2995, MedGen C3281235, MONDO:0013812, OMIM 614583.

Allele frequency attached by ClinVar (database versions not stated): gnomAD exomes below 0.00001.

Submission:

Labcorp Genetics (formerly Invitae), Labcorp
Classification: Pathogenic for Baraitser-winter syndrome 2; Autosomal dominant nonsyndromic hearing loss 20. Last evaluated: 2025-05-16. Review status: criteria provided, single submitter. Criteria: Invitae Variant Classification Sherloc (09022015). Collection method: clinical testing. Allele origin: germline.
Comment: This sequence change replaces serine, which is neutral and polar, with tryptophan, which is neutral and slightly polar, at codon 338 of the ACTG1 protein (p.Ser338Trp). This variant is present in population databases (no rsID available, gnomAD no frequency). This missense change has been observed in individual(s) with clinical features of ACTG1-related conditions (internal data). In at least one individual the variant was observed to be de novo. ClinVar contains an entry for this variant (Variation ID: 1483014). Invitae Evidence Modeling of protein sequence and biophysical properties (such as structural, functional, and spatial information, amino acid conservation, physicochemical variation, residue mobility, and thermodynamic stability) indicates that this missense variant is expected to disrupt ACTG1 protein function with a positive predictive value of 80%. For these reasons, this variant has been classified as Pathogenic.